The following is an entry in ClinVar:

NM_001387430.1(SH2B1):c.558G>A (p.Glu186=)

Gene: SH2B1 (SH2B adaptor protein 1; plus strand). Cytogenetic location: 16p11.2.
Variant type: single nucleotide variant.
Coding change: c.558G>A on transcript NM_001387430.1 (MANE Select); coding-DNA position 558, G replaced by A.
Protein change: p.Glu186=; no amino-acid change (glutamic acid 186 retained).
Molecular consequence: synonymous variant. On other transcripts: intron variant (1).
Genome position (GRCh38, 1-based): chr16:28,866,652, G>A. VCF-style: chr16-28866652-G-A. GRCh37 (hg19) VCF-style: chr16-28877973-G-A.
Other names: c.558G>A, p.Glu186= (NM_001145795.2, NM_001145796.2, NM_001145797.2 and 4 more transcripts); c.-26-722G>A (NM_001308294.2).
Identifiers: ClinVar variation 3358198 (VCV003358198.3).

ClinVar aggregate classification (germline): Likely benign. Review status: criteria provided, single submitter (1 of 4 stars). 2 submissions from 2 submitters: Likely benign (1). 1 of the submissions does not count toward it. Last evaluated 2024-03-18.

Conditions:
SH2B1-related disorder. Also called: SH2B1-related condition.

gnomAD v4.1: 104 of 1,612,200 alleles (0.0065%); highest among the groups gnomAD compares: Non-Finnish European, 0.0087%; no homozygotes.

Submissions (2):

Labcorp Genetics (formerly Invitae), Labcorp
Classification: Likely benign. Last evaluated: 2024-03-18. Review status: criteria provided, single submitter. Criteria: Invitae Variant Classification Sherloc (09022015). Collection method: clinical testing. Allele origin: germline.

PreventionGenetics, part of Exact Sciences
Classification: Likely benign for SH2B1-related condition. Last evaluated: 2021-01-04. Review status: no assertion criteria provided. Collection method: clinical testing. Allele origin: germline. Not counted in ClinVar's aggregate classification.
Comment: This variant is classified as likely benign based on ACMG/AMP sequence variant interpretation guidelines (Richards et al. 2015 PMID: 25741868, with internal and published modifications).